The following is an entry in ClinVar:

ClinVar aggregate classification (germline): Uncertain significance (1 of 4 stars; one submission).

Submission:

GeneDx
Classification: Uncertain significance. Last evaluated: 2023-11-15. Review status: criteria provided, single submitter. Criteria: GeneDx Variant Classification Process June 2021. Collection method: clinical testing. Allele origin: germline. Affected: yes.
Comment: Not observed at significant frequency in large population cohorts (gnomAD); In silico analysis supports that this missense variant does not alter protein structure/function; Has not been previously published as pathogenic or benign to our knowledge

NM_133433.4(NIPBL):c.3610G>A (p.Ala1204Thr)

Gene: NIPBL (NIPBL cohesin loading factor; plus strand). Cytogenetic location: 5p13.2.
Variant type: single nucleotide variant.
Coding change: c.3610G>A on transcript NM_133433.4 (MANE Select); coding-DNA position 3610, G replaced by A.
Protein change: p.Ala1204Thr; replaces alanine 1204 with threonine.
Molecular consequence: missense variant.
Genome position (GRCh38, 1-based): chr5:37,001,024, G>A. VCF-style: chr5-37001024-G-A. GRCh37 (hg19) VCF-style: chr5-37001126-G-A.
Other names: c.3610G>A, p.Ala1204Thr (NM_015384.5); short protein forms A1204T.
Identifiers: ClinVar variation 3364105 (VCV003364105.1).
Genomic context (GRCh38, chr5:37,001,024, plus strand): 5'-ATGAATATATTTTTCTCTCTTGCAGAAATGATGGACTCTTCAACTTTTAAGAGATTCACA[G>A]CCTCAATAGAGAATATTTTGGATAATTTGGAAGATATGGATTTTACTGCGTTTGGTAAAA-3'
Protein context (NP_597677.2, residues 1194-1214): MDSSTFKRFT[Ala1204Thr]SIENILDNLE